The following is an entry in ClinVar:

NM_001267550.2(TTN):c.56533A>C (p.Thr18845Pro)

Genes: TTN-AS1 (TTN antisense RNA 1; plus strand), TTN (titin; minus strand). Cytogenetic location: 2q31.2.
Variant type: single nucleotide variant.
Coding change: c.56533A>C on transcript NM_001267550.2 (MANE Select); coding-DNA position 56533, A replaced by C.
Protein change: p.Thr18845Pro; replaces threonine 18845 with proline.
Molecular consequence: missense variant.
Genome position (GRCh38, 1-based): chr2:178,599,260, T>G on the plus strand (A>C on the coding strand, the complement: TTN is on the minus strand). VCF-style: chr2-178599260-T-G. GRCh37 (hg19) VCF-style: chr2-179463987-T-G.
Other names: c.51610A>C, p.Thr17204Pro (NM_001256850.1); c.29338A>C, p.Thr9780Pro (NM_003319.4); c.29713A>C, p.Thr9905Pro (NM_133432.3); c.29914A>C, p.Thr9972Pro (NM_133437.4); c.48829A>C, p.Thr16277Pro (NM_133378.4); c.56533A>C (NM_001267550.1); short protein forms T16277P, T18845P, T17204P, T9780P, T9905P, T9972P.
Identifiers: ClinVar variation 229466 (VCV000229466.20), dbSNP rs375000725, ClinGen allele CA1993236.

ClinVar aggregate classification (germline): Conflicting classifications of pathogenicity. Review status: criteria provided, conflicting classifications (1 of 4 stars). 10 submissions from 10 submitters: Uncertain significance (6); Likely benign (4). Last evaluated 2026-03-13.

Conditions:
TTN-related disorder. Also called: TTN-related disorders; TTN-related condition; TTN-related disease.
Dilated cardiomyopathy 1G (CMD1G). Identifiers: Orphanet 154, MedGen C1858763, MONDO:0011400, OMIM 604145.
Autosomal recessive limb-girdle muscular dystrophy type 2J (LGMDR10). Also called: Limb-girdle muscular dystrophy, type 2J; MUSCULAR DYSTROPHY, LIMB-GIRDLE, AUTOSOMAL RECESSIVE 10. Identifiers: Orphanet 140922, MedGen C1837342, MONDO:0012127, OMIM 608807.
Early-onset myopathy with fatal cardiomyopathy (CMYO5). Also called: CONGENITAL MYOPATHY 5 WITH CARDIOMYOPATHY; Salih Myopathy. Identifiers: Orphanet 289377, MedGen C2673677, MONDO:0012714, OMIM 611705. Disease mechanism: loss of function.
Tibial muscular dystrophy (TMD). Also called: Tibial muscular dystrophy, tardive; Udd Distal Myopathy – Tibial Muscular Dystrophy; UDD MYOPATHY. Identifiers: Orphanet 609, MedGen C1838244, MONDO:0010870, OMIM 600334.
Myopathy, myofibrillar, 9, with early respiratory failure (MFM9). Also called: Myopathy, distal, with early respiratory failure, autosomal dominant; MYOPATHY, PROXIMAL, WITH EARLY RESPIRATORY MUSCLE INVOLVEMENT; Hereditary myopathy with early respiratory failure; EDSTROM MYOPATHY. Identifiers: Orphanet 178464, Orphanet 34521, MedGen C1863599, MONDO:0011362, OMIM 603689.
Hypertrophic cardiomyopathy 9. Also called: Familial hypertrophic cardiomyopathy 9. Identifiers: MedGen C1861065, MONDO:0013412, OMIM 613765.
Cardiomyopathy (CMYO). Also called: Cardiomyopathies. Identifiers: Orphanet 167848, MedGen C0878544, MONDO:0004994, HP:0001638. Inheritance: Various modes of inheritance.

Allele frequency attached by ClinVar (database versions not stated): gnomAD exomes 0.00004 and 0.00007; ExAC 0.00005; gnomAD 0.00007; TOPMed 0.00007; ESP Exome Variant Server 0.00008.
gnomAD v4.1: 71 of 1,576,854 alleles (0.0045%); highest among the groups gnomAD compares: Admixed American, 0.0078%; no homozygotes.

Submissions (10):

PreventionGenetics, part of Exact Sciences
Classification: Uncertain significance for TTN-related condition. Last evaluated: 2026-03-13. Review status: criteria provided, single submitter. Criteria: ACMG Guidelines, 2015. Collection method: clinical testing. Allele origin: germline.
Comment: The TTN c.56533A>C variant is predicted to result in the amino acid substitution p.Thr18845Pro. To our knowledge, this variant has not been reported in the literature. This variant is reported in 0.015% of alleles in individuals of European (Non-Finnish) descent in gnomAD. At this time, the clinical significance of this variant is uncertain due to the absence of conclusive functional and genetic evidence.

Molecular Diagnostic Laboratory for Inherited Cardiovascular Disease, Montreal Heart Institute
Classification: Likely benign. Last evaluated: 2025-04-09. Review status: criteria provided, single submitter. Criteria: ACMG Guidelines, 2015. Collection method: clinical testing. Allele origin: germline. Affected: no.

Blueprint Genetics
Classification: Likely benign. Last evaluated: 2024-10-04. Review status: criteria provided, single submitter. Criteria: ACMG Guidelines, 2015. Collection method: clinical testing. Allele origin: germline.

GeneDx
Classification: Likely benign. Last evaluated: 2024-05-01. Review status: criteria provided, single submitter. Criteria: GeneDx Variant Classification Process June 2021. Collection method: clinical testing. Allele origin: germline. Affected: yes.

CHEO Genetics Diagnostic Laboratory, Children's Hospital of Eastern Ontario
Classification: Likely benign for Cardiomyopathy. Last evaluated: 2023-02-21. Review status: criteria provided, single submitter. Criteria: ACMG Guidelines, 2015. Collection method: clinical testing. Allele origin: germline.

Revvity Omics, Revvity
Classification: Uncertain significance. Last evaluated: 2023-01-02. Review status: criteria provided, single submitter. Criteria: ACMG Guidelines, 2015. Collection method: clinical testing. Allele origin: germline.

Fulgent Genetics
Classification: Uncertain significance for Tibial muscular dystrophy; Myopathy, myofibrillar, 9, with early respiratory failure; Dilated cardiomyopathy 1G; Autosomal recessive limb-girdle muscular dystrophy type 2J; Early-onset myopathy with fatal cardiomyopathy; Hypertrophic cardiomyopathy 9. Last evaluated: 2021-11-22. Review status: criteria provided, single submitter. Criteria: ACMG Guidelines, 2015. Collection method: clinical testing. Allele origin: unknown.

Labcorp Genetics (formerly Invitae), Labcorp
Classification: Uncertain significance for Dilated cardiomyopathy 1G; Autosomal recessive limb-girdle muscular dystrophy type 2J. Last evaluated: 2017-11-13. Review status: criteria provided, single submitter. Criteria: Invitae Variant Classification Sherloc (09022015). Collection method: clinical testing. Allele origin: germline.

Eurofins Ntd Llc (ga)
Classification: Uncertain significance. Last evaluated: 2017-03-20. Review status: criteria provided, single submitter. Criteria: EGL Classification Definitions 2015. Collection method: clinical testing. Allele origin: germline. Observed: 1 variant allele, 1 heterozygote.

Laboratory for Molecular Medicine, Mass General Brigham Personalized Medicine
Classification: Uncertain significance. Last evaluated: 2015-03-12. Review status: criteria provided, single submitter. Criteria: LMM Criteria. Collection method: clinical testing. Allele origin: germline. Observed: 1 variant allele.
Comment: The p.Thr16277Pro variant in TTN has not been previously reported in individuals with cardiomyopathy, but has been identified in 5/64616 European chromosomes by the Exome Aggregation Consortium (ExAC; dbSNP r s375000725). Computational prediction tools and conservation analysis do not pro vide strong support for or against an impact to the protein. In summary, the cli nical significance of the p.Thr16277Pro variant is uncertain.